The following is an entry in ClinVar:

NM_000888.5(ITGB6):c.2170G>C (p.Val724Leu)

Gene: ITGB6 (integrin subunit beta 6; minus strand). Cytogenetic location: 2q24.2.
Variant type: single nucleotide variant.
Coding change: c.2170G>C on transcript NM_000888.5 (MANE Select); coding-DNA position 2170, G replaced by C.
Protein change: p.Val724Leu; replaces valine 724 with leucine.
Molecular consequence: missense variant.
Genome position (GRCh38, 1-based): chr2:160,107,777, C>G on the plus strand (G>C on the coding strand, the complement: ITGB6 is on the minus strand). VCF-style: chr2-160107777-C-G. GRCh37 (hg19) VCF-style: chr2-160964288-C-G.
Other names: c.2170G>C, p.Val724Leu (NM_001282353.2); c.1885G>C, p.Val629Leu (NM_001282354.2); c.1849G>C, p.Val617Leu (NM_001282355.2); c.2044G>C, p.Val682Leu (NM_001282388.2); c.1951G>C, p.Val651Leu (NM_001282389.2); c.1756G>C, p.Val586Leu (NM_001282390.2); short protein forms V586L, V617L, V629L, V651L, V682L, V724L.
Identifiers: ClinVar variation 1309335 (VCV001309335.3), dbSNP rs146397669, ClinGen allele CA1928980.

ClinVar aggregate classification (germline): Uncertain significance. Review status: criteria provided, multiple submitters, no conflicts (2 of 4 stars). 2 submissions from 2 submitters: Uncertain significance (2). Last evaluated 2019-11-05.

Allele frequency attached by ClinVar (database versions not stated): 1000 Genomes Project 0.00020; 1000 Genomes Project 30x 0.00047; ESP Exome Variant Server 0.00138.
gnomAD v4.1: 2,548 of 1,613,952 alleles (0.16%); highest among the groups gnomAD compares: Non-Finnish European, 0.2%; 3 homozygotes.

Submissions (2):

GeneDx
Classification: Uncertain significance. Last evaluated: 2019-11-05. Review status: criteria provided, single submitter. Criteria: GeneDx Variant Classification Process June 2021. Collection method: clinical testing. Allele origin: germline. Affected: yes.
Comment: In silico analysis, which includes protein predictors and evolutionary conservation, supports that this variant does not alter protein structure/function; Has not been previously published as pathogenic or benign to our knowledge

Breakthrough Genomics
Classification: Uncertain significance. Review status: criteria provided, single submitter. Criteria: ACMG Guidelines, 2015. Collection method: not provided. Allele origin: germline. Inheritance: Autosomal recessive inheritance. Affected: yes.